The following is an entry in ClinVar:

NC_000003.11:g.(?_193311167)_(193311218_?)del

Gene: OPA1 (OPA1 mitochondrial dynamin like GTPase; plus strand). Cytogenetic location: 3q29.
Variant type: Deletion.
Identifiers: ClinVar variation 1459789 (VCV001459789.4).

ClinVar aggregate classification (germline): Pathogenic (1 of 4 stars; one submission).

Submission:

Labcorp Genetics (formerly Invitae), Labcorp
Classification: Pathogenic. Last evaluated: 2021-08-15. Review status: criteria provided, single submitter. Criteria: Invitae Variant Classification Sherloc (09022015). Collection method: clinical testing. Allele origin: germline.
Comment: For these reasons, this variant has been classified as Pathogenic. This variant is a gross deletion of the genomic region encompassing exon(s) 1 of the OPA1 gene, which includes the initiator codon. This deletion extends beyond the assayed region for this gene and therefore may encompass additional genes. It is expected to result in an absent or disrupted protein product. Loss-of-function variants in OPA1 are known to be pathogenic (PMID: 11440988, 20157015, 20952381, 25012220). A similar copy number variant has been observed in individual(s) with clinical features of OPA1-related conditions (PMID: 25205859).

Literature cited by the submitters: PubMed 11440988; PubMed 20157015; PubMed 20952381; PubMed 25012220; PubMed 25205859.